The following is an entry in ClinVar:

NM_000051.4(ATM):c.8697C>G (p.Ile2899Met)

Genes: ATM (ATM serine/threonine kinase; plus strand), C11orf65 (chromosome 11 open reading frame 65; minus strand). Cytogenetic location: 11q22.3.
Variant type: single nucleotide variant.
Coding change: c.8697C>G on transcript NM_000051.4 (MANE Select); coding-DNA position 8697, C replaced by G.
Protein change: p.Ile2899Met; replaces isoleucine 2899 with methionine.
Molecular consequence: missense variant. On other transcripts: intron variant (2).
Genome position (GRCh38, 1-based): chr11:108,353,791, C>G. VCF-style: chr11-108353791-C-G. GRCh37 (hg19) VCF-style: chr11-108224518-C-G.
Other names: c.8697C>G, p.Ile2899Met (NM_001351834.2); c.640+32129G>C (NM_001330368.2); c.695-18499G>C (NM_001351110.2); short protein forms I2899M.
Identifiers: ClinVar variation 524332 (VCV000524332.14), dbSNP rs1333079704, ClinGen allele CA382523673.
Genomic context (GRCh38, chr11:108,353,791, plus strand): 5'-CAAACCTCCTAACTTCACTGTATTCTTTACTTTAGGTGTTGCTTTTGAACAGGGCAAAAT[C>G]CTTCCTACTCCTGAGACAGTTCCTTTTAGACTCACCAGAGATATTGTGGATGGCATGGGC-3'
Protein context (NP_000042.3, residues 2889-2909): DLGVAFEQGK[Ile2899Met]LPTPETVPFR

ClinVar aggregate classification (germline): Uncertain significance. Review status: criteria provided, multiple submitters, no conflicts (2 of 4 stars). 2 submissions from 2 submitters: Uncertain significance (2). Last evaluated 2025-03-10.

Conditions:
Hereditary cancer-predisposing syndrome. Also called: Hereditary Cancer Syndrome; Neoplastic Syndromes, Hereditary; Tumor predisposition; Hereditary neoplastic syndrome. Identifiers: Orphanet 140162, MedGen C0027672, MeSH D009386, MONDO:0015356.
Ataxia-telangiectasia syndrome (AT). Also called: Cerebello-oculocutaneous telangiectasia; Immunodeficiency with ataxia telangiectasia; Ataxia-telangiectasia, complementation group E; Ataxia-telangiectasia, complementation group D; AT, COMPLEMENTATION GROUP C; ATAXIA-TELANGIECTASIA, COMPLEMENTATION GROUP A. Identifiers: Orphanet 100, MedGen C0004135, MONDO:0008840, OMIM 208900.

Allele frequency attached by ClinVar (database versions not stated): gnomAD exomes below 0.00001.
gnomAD v4.1: 2 of 1,614,042 alleles (0.00012%); highest among the groups gnomAD compares: Non-Finnish European, 0.000085%; no homozygotes.

Submissions (2):

Labcorp Genetics (formerly Invitae), Labcorp
Classification: Uncertain significance for Ataxia-telangiectasia syndrome. Last evaluated: 2025-03-10. Review status: criteria provided, single submitter. Criteria: Invitae Variant Classification Sherloc (09022015). Collection method: clinical testing. Allele origin: germline.
Comment: This sequence change replaces isoleucine, which is neutral and non-polar, with methionine, which is neutral and non-polar, at codon 2899 of the ATM protein (p.Ile2899Met). This variant is present in population databases (no rsID available, gnomAD 0.01%). This variant has not been reported in the literature in individuals affected with ATM-related conditions. ClinVar contains an entry for this variant (Variation ID: 524332). Invitae Evidence Modeling of protein sequence and biophysical properties (such as structural, functional, and spatial information, amino acid conservation, physicochemical variation, residue mobility, and thermodynamic stability) indicates that this missense variant is not expected to disrupt ATM protein function with a negative predictive value of 95%. In summary, the available evidence is currently insufficient to determine the role of this variant in disease. Therefore, it has been classified as a Variant of Uncertain Significance.

Ambry Genetics
Classification: Uncertain significance for Hereditary cancer-predisposing syndrome. Last evaluated: 2024-07-09. Review status: criteria provided, single submitter. Criteria: Ambry Variant Classification Scheme 2023. Collection method: clinical testing. Allele origin: germline.
Comment: The p.I2899M variant (also known as c.8697C>G), located in coding exon 59 of the ATM gene, results from a C to G substitution at nucleotide position 8697. The isoleucine at codon 2899 is replaced by methionine, an amino acid with highly similar properties. This amino acid position is highly conserved in available vertebrate species. In addition, the in silico prediction for this alteration is inconclusive. Based on the available evidence, the clinical significance of this variant remains unclear.